The following is an entry in ClinVar:

ClinVar aggregate classification (germline): Uncertain significance (1 of 4 stars; one submission).

Conditions:
NIPBL-related disorder. Also called: NIPBL-related condition.

Submission:

PreventionGenetics, part of Exact Sciences
Classification: Uncertain significance for NIPBL-related condition. Last evaluated: 2023-10-03. Review status: criteria provided, single submitter. Criteria: ACMG Guidelines, 2015. Collection method: clinical testing. Allele origin: germline.
Comment: The NIPBL c.6854A>G variant is predicted to result in the amino acid substitution p.Gln2285Arg. To our knowledge, this variant has not been reported in the literature or in a large population database, indicating this variant is rare. At this time, the clinical significance of this variant is uncertain due to the absence of conclusive functional and genetic evidence.

NM_133433.4(NIPBL):c.6854A>G (p.Gln2285Arg)

Gene: NIPBL (NIPBL cohesin loading factor; plus strand). Cytogenetic location: 5p13.2.
Variant type: single nucleotide variant.
Coding change: c.6854A>G on transcript NM_133433.4 (MANE Select); coding-DNA position 6854, A replaced by G.
Protein change: p.Gln2285Arg; replaces glutamine 2285 with arginine.
Molecular consequence: missense variant.
Genome position (GRCh38, 1-based): chr5:37,049,201, A>G. VCF-style: chr5-37049201-A-G. GRCh37 (hg19) VCF-style: chr5-37049303-A-G.
Other names: c.6854A>G, p.Gln2285Arg (NM_015384.5); short protein forms Q2285R.
Identifiers: ClinVar variation 2633929 (VCV002633929.1), dbSNP rs2478624435, ClinGen allele CA359508897.